The following is an entry in ClinVar:

NM_000843.4(GRM6):c.2066C>G (p.Pro689Arg)

Genes: GRM6 (glutamate metabotropic receptor 6; minus strand), ZNF454 (zinc finger protein 454; plus strand). Cytogenetic location: 5q35.3.
Variant type: single nucleotide variant.
Coding change: c.2066C>G on transcript NM_000843.4 (MANE Select); coding-DNA position 2066, C replaced by G.
Protein change: p.Pro689Arg; replaces proline 689 with arginine.
Molecular consequence: missense variant.
Genome position (GRCh38, 1-based): chr5:178,986,188, G>C on the plus strand (C>G on the coding strand, the complement: GRM6 is on the minus strand). VCF-style: chr5-178986188-G-C. GRCh37 (hg19) VCF-style: chr5-178413189-G-C.
Other names: short protein forms P689R.
Identifiers: ClinVar variation 2063780 (VCV002063780.4), dbSNP rs751452976, ClinGen allele CA3593841.
Genomic context (GRCh38, chr5:178,986,188, plus strand): 5'-ACCTGCAGGGAGGTGAGGCTGAAGGTGATGACCAGCTGTGAGGTGGGGCTGATGAAGGGA[G>C]GGGGTGTGACCGAGCGCTTGCCCTGCTCAAAGATGCGGTAGATACGGTTGGTCTTGGTGA-3'
Protein context (NP_000834.2, residues 679-699): FEQGKRSVTP[Pro689Arg]PFISPTSQLV

ClinVar aggregate classification (germline): Uncertain significance. Review status: criteria provided, multiple submitters, no conflicts (2 of 4 stars). 2 submissions from 2 submitters: Uncertain significance (2). Last evaluated 2022-08-19.

Allele frequency attached by ClinVar (database versions not stated): TOPMed 0.00006.
gnomAD v4.1: 9 of 1,613,994 alleles (0.00056%); highest among the groups gnomAD compares: East Asian, 0.0067%; no homozygotes.

Submissions (2):

Labcorp Genetics (formerly Invitae), Labcorp
Classification: Uncertain significance. Last evaluated: 2022-08-19. Review status: criteria provided, single submitter. Criteria: Invitae Variant Classification Sherloc (09022015). Collection method: clinical testing. Allele origin: germline.
Comment: In summary, the available evidence is currently insufficient to determine the role of this variant in disease. Therefore, it has been classified as a Variant of Uncertain Significance. Advanced modeling of protein sequence and biophysical properties (such as structural, functional, and spatial information, amino acid conservation, physicochemical variation, residue mobility, and thermodynamic stability) performed at Invitae indicates that this missense variant is expected to disrupt GRM6 protein function. This variant has not been reported in the literature in individuals affected with GRM6-related conditions. This variant is present in population databases (rs751452976, gnomAD 0.01%). This sequence change replaces proline, which is neutral and non-polar, with arginine, which is basic and polar, at codon 689 of the GRM6 protein (p.Pro689Arg).

Blueprint Genetics
Classification: Uncertain significance. Last evaluated: 2018-10-23. Review status: criteria provided, single submitter. Criteria: ACMG Guidelines, 2015. Collection method: clinical testing. Allele origin: germline.